The following is an entry in ClinVar:

ClinVar aggregate classification (germline): Conflicting classifications of pathogenicity. Review status: criteria provided, conflicting classifications (1 of 4 stars). 2 submissions from 2 submitters: Pathogenic (1); Uncertain significance (1). Last evaluated 2023-02-27.

Allele frequency attached by ClinVar (database versions not stated): gnomAD exomes below 0.00001; ExAC 0.00001.
gnomAD v4.1: 5 of 1,614,158 alleles (0.00031%); highest among the groups gnomAD compares: Admixed American, 0.0017%; no homozygotes.

Submissions (2):

Labcorp Genetics (formerly Invitae), Labcorp
Classification: Pathogenic. Last evaluated: 2023-02-27. Review status: criteria provided, single submitter. Criteria: Invitae Variant Classification Sherloc (09022015). Collection method: clinical testing. Allele origin: germline.
Comment: For these reasons, this variant has been classified as Pathogenic. This variant has not been reported in the literature in individuals affected with CDK13-related conditions. This variant is present in population databases (rs762993384, gnomAD 0.003%). This sequence change creates a premature translational stop signal (p.Gln1124*) in the CDK13 gene. It is expected to result in an absent or disrupted protein product. Loss-of-function variants in CDK13 are known to be pathogenic (PMID: 27479907, 29021403, 29393965).

Blueprint Genetics
Classification: Uncertain significance. Last evaluated: 2022-06-03. Review status: criteria provided, single submitter. Criteria: ACMG Guidelines, 2015. Collection method: clinical testing. Allele origin: germline.

Literature cited by the submitters: PubMed 27479907 (cited by Labcorp Genetics (formerly Invitae), Labcorp); PubMed 29021403 (cited by Labcorp Genetics (formerly Invitae), Labcorp); PubMed 29393965 (cited by Labcorp Genetics (formerly Invitae), Labcorp).

NM_003718.5(CDK13):c.3370C>T (p.Gln1124Ter)

Gene: CDK13 (cyclin dependent kinase 13; plus strand). Cytogenetic location: 7p14.1.
Variant type: single nucleotide variant.
Coding change: c.3370C>T on transcript NM_003718.5 (MANE Select); coding-DNA position 3370, C replaced by T.
Protein change: p.Gln1124Ter; replaces glutamine 1124 with a stop codon.
Molecular consequence: nonsense. On other transcripts: intron variant (1).
Genome position (GRCh38, 1-based): chr7:40,092,919, C>T. VCF-style: chr7-40092919-C-T. GRCh37 (hg19) VCF-style: chr7-40132518-C-T.
Other names: c.3236-46C>T (NM_031267.3); short protein forms Q1124*.
Identifiers: ClinVar variation 2871917 (VCV002871917.4), dbSNP rs762993384, ClinGen allele CA4228935.